The following is an entry in ClinVar:

ClinVar aggregate classification (germline): Conflicting classifications of pathogenicity. Review status: criteria provided, conflicting classifications (1 of 4 stars). 2 submissions from 2 submitters: Uncertain significance (1); Likely benign (1). Last evaluated 2024-07-01.

Submissions (2):

CeGaT Center for Human Genetics Tuebingen
Classification: Likely benign. Last evaluated: 2024-07-01. Review status: criteria provided, single submitter. Criteria: CeGaT Center For Human Genetics Tuebingen Variant Classification Criteria Version 2. Collection method: clinical testing. Allele origin: germline. Affected: yes. Observed: 2 variant alleles.
Comment: AHNAK2: BP4

Ambry Genetics
Classification: Uncertain significance. Last evaluated: 2021-07-13. Review status: criteria provided, single submitter. Criteria: Ambry Variant Classification Scheme 2023. Collection method: clinical testing. Allele origin: germline.

NM_138420.4(AHNAK2):c.9645C>G (p.His3215Gln)

Gene: AHNAK2 (AHNAK nucleoprotein 2; minus strand). Cytogenetic location: 14q32.33.
Variant type: single nucleotide variant.
Coding change: c.9645C>G on transcript NM_138420.4 (MANE Select); coding-DNA position 9645, C replaced by G.
Protein change: p.His3215Gln; replaces histidine 3215 with glutamine.
Molecular consequence: missense variant.
Genome position (GRCh38, 1-based): chr14:104,945,806, G>C on the plus strand (C>G on the coding strand, the complement: AHNAK2 is on the minus strand). VCF-style: chr14-104945806-G-C. GRCh37 (hg19) VCF-style: chr14-105412143-G-C.
Other names: c.9345C>G, p.His3115Gln (NM_001350929.2); short protein forms H3115Q, H3215Q.
Identifiers: ClinVar variation 2352275 (VCV002352275.26), dbSNP rs763971371, ClinGen allele CA7379538.